The following is an entry in ClinVar:

NM_177438.3(DICER1):c.4584G>T (p.Trp1528Cys)

Gene: DICER1 (dicer 1, ribonuclease III; minus strand). Cytogenetic location: 14q32.13.
Variant type: single nucleotide variant.
Coding change: c.4584G>T on transcript NM_177438.3 (MANE Select); coding-DNA position 4584, G replaced by T.
Protein change: p.Trp1528Cys; replaces tryptophan 1528 with cysteine.
Molecular consequence: missense variant. On other transcripts: non-coding transcript variant (6).
Genome position (GRCh38, 1-based): chr14:95,096,336, C>A on the plus strand (G>T on the coding strand, the complement: DICER1 is on the minus strand). VCF-style: chr14-95096336-C-A. GRCh37 (hg19) VCF-style: chr14-95562673-C-A.
Other names: c.4584G>T, p.Trp1528Cys (NM_001195573.1, NM_001271282.3, NM_001291628.2 and 12 more transcripts); c.4302G>T, p.Trp1434Cys (NM_001395686.1); c.4179G>T, p.Trp1393Cys (NM_001395687.1, NM_001395688.1, NM_001395689.1 and 2 more transcripts); c.4017G>T, p.Trp1339Cys (NM_001395691.1); c.2901G>T, p.Trp967Cys (NM_001395697.1); short protein forms W1528C, W1393C, W967C, W1339C, W1434C.
Identifiers: ClinVar variation 4011666 (VCV004011666.1).
Genomic context (GRCh38, chr14:95,096,336, plus strand): 5'-CAAGTCGTAAGAAATGGACTGCTTTCCCGTGTCAACACCACAGTTTTCTTCTGATGGATT[C>A]CAGAACCCCACCACAAAGTCATCTTCTTCAACAGCTTTGCTAGGATCCAGATAGCACATT-3'
Protein context (NP_803187.1, residues 1518-1538): VEEDDFVVGF[Trp1528Cys]NPSEENCGVD

ClinVar aggregate classification (germline): Uncertain significance (1 of 4 stars; one submission).

Conditions:
Hereditary cancer-predisposing syndrome. Also called: Tumor predisposition; Hereditary neoplastic syndrome; Neoplastic Syndromes, Hereditary; Hereditary Cancer Syndrome. Identifiers: Orphanet 140162, MedGen C0027672, MeSH D009386, MONDO:0015356.

Submission:

Ambry Genetics
Classification: Uncertain significance for Hereditary cancer-predisposing syndrome. Last evaluated: 2025-05-18. Review status: criteria provided, single submitter. Criteria: Ambry Variant Classification Scheme 2023. Collection method: clinical testing. Allele origin: germline.
Comment: The p.W1528C variant (also known as c.4584G>T), located in coding exon 22 of the DICER1 gene, results from a G to T substitution at nucleotide position 4584. The tryptophan at codon 1528 is replaced by cysteine, an amino acid with highly dissimilar properties. This amino acid position is conserved. In addition, this alteration is predicted to be deleterious by in silico analysis. Based on the available evidence, the clinical significance of this variant remains unclear.